The following is an entry in ClinVar:

NM_000038.6(APC):c.5028A>T (p.Arg1676Ser)

Gene: APC (APC regulator of Wnt signaling pathway; plus strand). Cytogenetic location: 5q22.2.
Variant type: single nucleotide variant.
Coding change: c.5028A>T on transcript NM_000038.6 (MANE Select); coding-DNA position 5028, A replaced by T.
Protein change: p.Arg1676Ser; replaces arginine 1676 with serine.
Molecular consequence: missense variant.
Genome position (GRCh38, 1-based): chr5:112,840,622, A>T. VCF-style: chr5-112840622-A-T. GRCh37 (hg19) VCF-style: chr5-112176319-A-T.
Other names: c.5058A>T, p.Arg1686Ser (NM_001354897.2); c.4953A>T, p.Arg1651Ser (NM_001354898.2); c.4944A>T, p.Arg1648Ser (NM_001354899.2); c.4905A>T, p.Arg1635Ser (NM_001354900.2); c.4851A>T, p.Arg1617Ser (NM_001354901.2); c.4755A>T, p.Arg1585Ser (NM_001354902.2); c.4725A>T, p.Arg1575Ser (NM_001354903.2); c.4650A>T, p.Arg1550Ser (NM_001354904.2); and 6 more; short protein forms R1516S, R1585S, R1651S, R1658S, R1694S, R1550S, R1575S, R1676S.
Identifiers: ClinVar variation 1501504 (VCV001501504.9), dbSNP rs2149930198, ClinGen allele CA16032330.
Genomic context (GRCh38, chr5:112,840,622, plus strand): 5'-TCTAAGTGATCTAACAATCGAATCCCCTCCAAATGAGTTAGCTGCTGGAGAAGGAGTTAG[A>T]GGAGGGGCACAGTCAGGTGAATTTGAAAAACGAGATACCATTCCTACAGAAGGCAGAAGT-3'
Protein context (NP_000029.2, residues 1666-1686): PNELAAGEGV[Arg1676Ser]GGAQSGEFEK

ClinVar aggregate classification (germline): Uncertain significance. Review status: criteria provided, multiple submitters, no conflicts (2 of 4 stars). 2 submissions from 2 submitters: Uncertain significance (2). Last evaluated 2024-04-18.

Conditions:
Familial adenomatous polyposis 1 (FAP1). Also called: FAMILIAL ADENOMATOUS POLYPOSIS 1, ATTENUATED; POLYPOSIS, ADENOMATOUS INTESTINAL. Identifiers: MedGen C2713442, MONDO:0021056, OMIM 175100. Disease mechanism: loss of function.
Hereditary cancer-predisposing syndrome. Also called: Hereditary neoplastic syndrome; Tumor predisposition; Neoplastic Syndromes, Hereditary; Hereditary Cancer Syndrome. Identifiers: Orphanet 140162, MedGen C0027672, MeSH D009386, MONDO:0015356.

Submissions (2):

Ambry Genetics
Classification: Uncertain significance for Hereditary cancer-predisposing syndrome. Last evaluated: 2024-04-18. Review status: criteria provided, single submitter. Criteria: Ambry Variant Classification Scheme 2023. Collection method: clinical testing. Allele origin: germline.
Comment: The p.R1676S variant (also known as c.5028A>T), located in coding exon 15 of the APC gene, results from an A to T substitution at nucleotide position 5028. The arginine at codon 1676 is replaced by serine, an amino acid with dissimilar properties. This amino acid position is conserved. In addition, in silico predictors for this gene do not accurately predict pathogenicity. Based on the available evidence, the clinical significance of this variant remains unclear.

Labcorp Genetics (formerly Invitae), Labcorp
Classification: Uncertain significance for Familial adenomatous polyposis 1. Last evaluated: 2020-12-23. Review status: criteria provided, single submitter. Criteria: Invitae Variant Classification Sherloc (09022015). Collection method: clinical testing. Allele origin: germline.
Comment: This sequence change replaces arginine with serine at codon 1676 of the APC protein (p.Arg1676Ser). The arginine residue is moderately conserved and there is a moderate physicochemical difference between arginine and serine. In summary, the available evidence is currently insufficient to determine the role of this variant in disease. Therefore, it has been classified as a Variant of Uncertain Significance. Algorithms developed to predict the effect of missense changes on protein structure and function (SIFT, PolyPhen-2, Align-GVGD) all suggest that this variant is likely to be tolerated, but these predictions have not been confirmed by published functional studies and their clinical significance is uncertain. This variant has not been reported in the literature in individuals with APC-related conditions. This variant is not present in population databases (ExAC no frequency).